The following is an entry in ClinVar:

ClinVar aggregate classification (germline): Uncertain significance (1 of 4 stars; one submission).

Conditions:
Autosomal dominant nocturnal frontal lobe epilepsy 5. Also called: KCNT1-Related Epilepsy; CILIARY DYSKINESIA, PRIMARY, 28, WITHOUT SITUS INVERSUS; CILIARY DYSKINESIA, PRIMARY, 28, WITH SITUS INVERSUS; Epilepsy, nocturnal frontal lobe, 5. Identifiers: Orphanet 98784, MedGen C3554306, MONDO:0014002, OMIM 615005.
Developmental and epileptic encephalopathy, 14 (DEE14). Also called: Early infantile epileptic encephalopathy 14. Identifiers: Orphanet 293181, MedGen C3554195, MONDO:0013989, OMIM 614959.

Submission:

Labcorp Genetics (formerly Invitae), Labcorp
Classification: Uncertain significance for Autosomal dominant nocturnal frontal lobe epilepsy 5; Developmental and epileptic encephalopathy, 14. Last evaluated: 2024-08-04. Review status: criteria provided, single submitter. Criteria: Invitae Variant Classification Sherloc (09022015). Collection method: clinical testing. Allele origin: germline.
Comment: This sequence change creates a premature translational stop signal (p.Tyr68*) in the KCNT1 gene. It is expected to result in an absent or disrupted protein product. However, the current clinical and genetic evidence is not sufficient to establish whether loss-of-function variants in KCNT1 cause disease. This variant is not present in population databases (gnomAD no frequency). This variant has not been reported in the literature in individuals affected with KCNT1-related conditions. In summary, the available evidence is currently insufficient to determine the role of this variant in disease. Therefore, it has been classified as a Variant of Uncertain Significance.

NM_020822.3(KCNT1):c.204C>A (p.Tyr68Ter)

Gene: KCNT1 (potassium sodium-activated channel subfamily T member 1; plus strand). Cytogenetic location: 9q34.3.
Variant type: single nucleotide variant.
Coding change: c.204C>A on transcript NM_020822.3 (MANE Select); coding-DNA position 204, C replaced by A.
Protein change: p.Tyr68Ter; replaces tyrosine 68 with a stop codon.
Molecular consequence: nonsense. On other transcripts: intron variant (1).
Genome position (GRCh38, 1-based): chr9:135,714,670, C>A. VCF-style: chr9-135714670-C-A. GRCh37 (hg19) VCF-style: chr9-138606516-C-A.
Other names: c.110+12302C>A (NM_001272003.2); short protein forms Y68*.
Identifiers: ClinVar variation 3753006 (VCV003753006.2).
Genomic context (GRCh38, chr9:135,714,670, plus strand): 5'-CACCGCCGGCTTCAAGATGAGCGACCTGGACTCCGAGGTGCTGCCCTTGCCGCCGCGCTA[C>A]CGCTTCCGGGACCTGCTGCTGGGCGACCCGTCCTTCCAGAACGACGACAGGTAGGGACCG-3'